The following is an entry in ClinVar:

NM_014484.5(MOCS3):c.1023T>A (p.Tyr341Ter)

Gene: MOCS3 (molybdenum cofactor synthesis 3; plus strand). Cytogenetic location: 20q13.13.
Variant type: single nucleotide variant.
Coding change: c.1023T>A on transcript NM_014484.5 (MANE Select); coding-DNA position 1023, T replaced by A.
Protein change: p.Tyr341Ter; replaces tyrosine 341 with a stop codon.
Molecular consequence: nonsense.
Genome position (GRCh38, 1-based): chr20:50,959,865, T>A. VCF-style: chr20-50959865-T-A. GRCh37 (hg19) VCF-style: chr20-49576402-T-A.
Other names: short protein forms Y341*.
Identifiers: ClinVar variation 3691455 (VCV003691455.2).

ClinVar aggregate classification (germline): Uncertain significance (1 of 4 stars; one submission).

Submission:

Labcorp Genetics (formerly Invitae), Labcorp
Classification: Uncertain significance. Last evaluated: 2025-01-08. Review status: criteria provided, single submitter. Criteria: Invitae Variant Classification Sherloc (09022015). Collection method: clinical testing. Allele origin: germline.
Comment: This sequence change creates a premature translational stop signal (p.Tyr341*) in the MOCS3 gene. While this is not anticipated to result in nonsense mediated decay, it is expected to disrupt the last 120 amino acid(s) of the MOCS3 protein. This variant is not present in population databases (gnomAD no frequency). This variant has not been reported in the literature in individuals affected with MOCS3-related conditions. In summary, the available evidence is currently insufficient to determine the role of this variant in disease. Therefore, it has been classified as a Variant of Uncertain Significance.